The following is an entry in ClinVar:

ClinVar aggregate classification (germline): Uncertain significance (1 of 4 stars; one submission).

Conditions:
Hereditary cancer-predisposing syndrome. Also called: Tumor predisposition; Neoplastic Syndromes, Hereditary; Hereditary Cancer Syndrome; Hereditary neoplastic syndrome. Identifiers: Orphanet 140162, MedGen C0027672, MeSH D009386, MONDO:0015356.

Submission:

Ambry Genetics
Classification: Uncertain significance for Hereditary cancer-predisposing syndrome. Last evaluated: 2024-11-30. Review status: criteria provided, single submitter. Criteria: Ambry Variant Classification Scheme 2023. Collection method: clinical testing. Allele origin: germline.
Comment: The p.S520R variant (also known as c.1560T>G), located in coding exon 10 of the BRIP1 gene, results from a T to G substitution at nucleotide position 1560. The serine at codon 520 is replaced by arginine, an amino acid with dissimilar properties. This amino acid position is conserved. In addition, this alteration is predicted to be deleterious by in silico analysis. Based on the available evidence, the clinical significance of this variant remains unclear.

NM_032043.3(BRIP1):c.1560T>G (p.Ser520Arg)

Gene: BRIP1 (BRCA1 interacting DNA helicase 1; minus strand). Cytogenetic location: 17q23.2.
Variant type: single nucleotide variant.
Coding change: c.1560T>G on transcript NM_032043.3 (MANE Select); coding-DNA position 1560, T replaced by G.
Protein change: p.Ser520Arg; replaces serine 520 with arginine.
Molecular consequence: missense variant.
Genome position (GRCh38, 1-based): chr17:61,784,338, A>C on the plus strand (T>G on the coding strand, the complement: BRIP1 is on the minus strand). VCF-style: chr17-61784338-A-C. GRCh37 (hg19) VCF-style: chr17-59861699-A-C.
Other names: short protein forms S520R.
Identifiers: ClinVar variation 3482482 (VCV003482482.1).